The following is an entry in ClinVar:

ClinVar aggregate classification (germline): Likely pathogenic (0 of 4 stars; one submission).

Conditions:
ZP1-related disorder. Also called: ZP1-related condition.

Submission:

PreventionGenetics, part of Exact Sciences
Classification: Likely pathogenic for ZP1-related condition. Last evaluated: 2024-07-23. Review status: no assertion criteria provided. Collection method: clinical testing. Allele origin: germline.
Comment: The ZP1 c.1015-1G>A variant is predicted to disrupt the AG splice acceptor site and interfere with normal splicing. To our knowledge, this variant has not been reported in the literature or in a large population database, indicating this variant is rare. Variants that disrupt the consensus splice acceptor site in ZP1 are expected to be pathogenic. This variant is interpreted as likely pathogenic.

NM_207341.4(ZP1):c.1015-1G>A

Gene: ZP1 (zona pellucida glycoprotein 1; plus strand). Cytogenetic location: 11q12.2.
Variant type: single nucleotide variant.
Coding change: c.1015-1G>A on transcript NM_207341.4 (MANE Select); the canonical splice acceptor site of the intron before coding-DNA position 1015, G replaced by A.
Molecular consequence: splice acceptor variant.
Genome position (GRCh38, 1-based): chr11:60,871,216, G>A. VCF-style: chr11-60871216-G-A. GRCh37 (hg19) VCF-style: chr11-60638689-G-A.
Other names: c.136-1G>A (NM_001391943.1); c.-180-1G>A (NM_001391944.1).
Identifiers: ClinVar variation 3347218 (VCV003347218.1).
Genomic context (GRCh38, chr11:60,871,216, plus strand): 5'-GACCACAGGCTGGGGCCTGGTCCCCCACCAGAAAGCCTCACCCAGCTGTCTCTTCCTACA[G>A]GTGGCTGGCGACCAGCTCATCTATGAGAACTGGCTGGTGTCTGGCATCCACATCCAAAAG-3'